The following is an entry in ClinVar:

ClinVar aggregate classification (germline): Uncertain significance (1 of 4 stars; one submission).

Submission:

Labcorp Genetics (formerly Invitae), Labcorp
Classification: Uncertain significance. Last evaluated: 2024-12-29. Review status: criteria provided, single submitter. Criteria: Invitae Variant Classification Sherloc (09022015). Collection method: clinical testing. Allele origin: germline.
Comment: This sequence change replaces alanine, which is neutral and non-polar, with threonine, which is neutral and polar, at codon 506 of the FAM111A protein (p.Ala506Thr). This variant is not present in population databases (gnomAD no frequency). This variant has not been reported in the literature in individuals affected with FAM111A-related conditions. An algorithm developed to predict the effect of missense changes on protein structure and function outputs the following: PolyPhen-2: "Benign". The threonine amino acid residue is found in multiple mammalian species, which suggests that this missense change does not adversely affect protein function. In summary, the available evidence is currently insufficient to determine the role of this variant in disease. Therefore, it has been classified as a Variant of Uncertain Significance.

NM_001312909.2(FAM111A):c.1516G>A (p.Ala506Thr)

Gene: FAM111A (FAM111 trypsin like peptidase A; plus strand). Cytogenetic location: 11q12.1.
Variant type: single nucleotide variant.
Coding change: c.1516G>A on transcript NM_001312909.2 (MANE Select); coding-DNA position 1516, G replaced by A.
Protein change: p.Ala506Thr; replaces alanine 506 with threonine.
Molecular consequence: missense variant.
Genome position (GRCh38, 1-based): chr11:59,153,184, G>A. VCF-style: chr11-59153184-G-A. GRCh37 (hg19) VCF-style: chr11-58920657-G-A.
Other names: c.1516G>A, p.Ala506Thr (NM_001374848.1, NM_001374849.1, NM_001374850.1 and 29 more transcripts); short protein forms A506T.
Identifiers: ClinVar variation 3694498 (VCV003694498.2).